The following is an entry in ClinVar:

ClinVar aggregate classification (germline): Likely pathogenic (1 of 4 stars; one submission).

Conditions:
Autosomal recessive limb-girdle muscular dystrophy type 2A (LGMDR1). Also called: LEYDEN-MOEBIUS MUSCULAR DYSTROPHY; MUSCULAR DYSTROPHY, PELVOFEMORAL; Limb-girdle muscular dystrophy, type 2A; Calpainopathy; Muscular dystrophy, limb-girdle, type 2A, Amish. Identifiers: Orphanet 267, MedGen C1869123, MONDO:0009675, OMIM 253600. Disease mechanism: loss of function.

Submission:

Myriad Genetics, Inc.
Classification: Likely pathogenic for Autosomal recessive limb-girdle muscular dystrophy type 2A. Last evaluated: 2022-02-17. Review status: criteria provided, single submitter. Criteria: Myriad Women's Health Autosomal Recessive and X-Linked Classification Criteria (2021). Collection method: clinical testing. Allele origin: unknown.
Comment: NM_000070.2(CAPN3):c.2042_2043delTG(V681Efs*18) is expected to be pathogenic in the context of calpainopathy. This variant is predicted to lead to an abnormal or absent protein product due to the creation of a premature termination codon in CAPN3, a gene where loss-of-function variants are known to be pathogenic. Please note: this variant was assessed in the context of healthy population screening.

NM_000070.3(CAPN3):c.2042_2043del (p.Val681fs)

Gene: CAPN3 (calpain 3; plus strand). Cytogenetic location: 15q15.1.
Variant type: Deletion.
Coding change: c.2042_2043del on transcript NM_000070.3 (MANE Select); coding-DNA positions 2042 to 2043, 2 bases deleted (TG; older notation c.2042_2043delTG).
Protein change: p.Val681fs; shifts the reading frame from valine 681.
Molecular consequence: frameshift variant.
Genome position (GRCh38, 1-based): chr15:42,409,836-42,409,837, TG deleted; deleting any 2 consecutive bases within chr15:42,409,835-42,409,837 gives the same sequence; the c. name uses the placement nearest the transcript's 3' end. VCF-style (leftmost placement, unchanged base first): chr15-42409834-CGT-C. GRCh37 (hg19) VCF-style: chr15-42702032-CGT-C.
Other names: c.2024_2025del, p.Val675fs (NM_024344.2); c.1766_1767del, p.Val589fs (NM_173087.2); c.506_507del, p.Val169fs (NM_173088.2); c.47_48del, p.Val16fs (NM_173089.2, NM_173090.2); c.*1140_*1141delTG (NM_212464.2); c.*1717_*1718delTG (NM_212467.2); short protein forms V169fs, V16fs, V589fs, V675fs, V681fs.
Identifiers: ClinVar variation 1724431 (VCV001724431.2), dbSNP rs2548291183, ClinGen allele CA2580089413.